The following is an entry in ClinVar:

ClinVar aggregate classification (germline): Uncertain significance (1 of 4 stars; one submission).

Allele frequency attached by ClinVar (database versions not stated): TOPMed 0.00004; gnomAD 0.00007; ExAC 0.00012; 1000 Genomes Project 30x 0.00016; 1000 Genomes Project 0.00020.
gnomAD v4.1: 61 of 1,612,694 alleles (0.0038%); highest among the groups gnomAD compares: East Asian, 0.069%; no homozygotes.

Submission:

Ambry Genetics
Classification: Uncertain significance. Last evaluated: 2024-09-30. Review status: criteria provided, single submitter. Criteria: Ambry Variant Classification Scheme 2023. Collection method: clinical testing. Allele origin: germline.
Comment: The p.S1559L variant (also known as c.4676C>T), located in coding exon 16 of the POLQ gene, results from a C to T substitution at nucleotide position 4676. The serine at codon 1559 is replaced by leucine, an amino acid with dissimilar properties. This amino acid position is conserved. In addition, the in silico prediction for this alteration is inconclusive. Since supporting evidence is limited at this time, the clinical significance of this alteration remains unclear.

NM_199420.4(POLQ):c.4676C>T (p.Ser1559Leu)

Gene: POLQ (DNA polymerase theta; minus strand). Cytogenetic location: 3q13.33.
Variant type: single nucleotide variant.
Coding change: c.4676C>T on transcript NM_199420.4 (MANE Select); coding-DNA position 4676, C replaced by T.
Protein change: p.Ser1559Leu; replaces serine 1559 with leucine.
Molecular consequence: missense variant.
Genome position (GRCh38, 1-based): chr3:121,488,255, G>A on the plus strand (C>T on the coding strand, the complement: POLQ is on the minus strand). VCF-style: chr3-121488255-G-A. GRCh37 (hg19) VCF-style: chr3-121207102-G-A.
Other names: short protein forms S1559L.
Identifiers: ClinVar variation 1742354 (VCV001742354.3), dbSNP rs372597036, ClinGen allele CA2562859.